The following is an entry in ClinVar:

ClinVar aggregate classification (germline): Uncertain significance. Review status: criteria provided, multiple submitters, no conflicts (2 of 4 stars). 4 submissions from 4 submitters: Uncertain significance (4). Last evaluated 2025-09-11.

Conditions:
Hereditary cancer-predisposing syndrome. Also called: Tumor predisposition; Hereditary Cancer Syndrome; Hereditary neoplastic syndrome; Neoplastic Syndromes, Hereditary. Identifiers: Orphanet 140162, MedGen C0027672, MeSH D009386, MONDO:0015356.
Rhabdoid tumor predisposition syndrome 2 (RTPS2). Identifiers: Orphanet 231108, Orphanet 69077, MedGen C2750074, MONDO:0013224, OMIM 613325.
Intellectual disability, autosomal dominant 16 (CSS4). Also called: COFFIN-SIRIS SYNDROME 4. Identifiers: Orphanet 1465, MedGen C3553249, MONDO:0013821, OMIM 614609.

Allele frequency attached by ClinVar (database versions not stated): gnomAD exomes below 0.00001.
gnomAD v4.1: 1 of 1,613,896 alleles (0.000062%); highest among the groups gnomAD compares: Non-Finnish European, 0.000085%; no homozygotes.

Submissions (4):

Ambry Genetics
Classification: Uncertain significance for Hereditary cancer-predisposing syndrome. Last evaluated: 2025-09-11. Review status: criteria provided, single submitter. Criteria: Ambry Variant Classification Scheme 2023. Collection method: clinical testing. Allele origin: germline.
Comment: The p.T1491I variant (also known as c.4472C>T), located in coding exon 30 of the SMARCA4 gene, results from a C to T substitution at nucleotide position 4472. The threonine at codon 1491 is replaced by isoleucine, an amino acid with similar properties. This amino acid position is highly conserved in available vertebrate species. In addition, the in silico prediction for this alteration is inconclusive. Based on the available evidence, the clinical significance of this variant remains unclear.

Labcorp Genetics (formerly Invitae), Labcorp
Classification: Uncertain significance for Rhabdoid tumor predisposition syndrome 2. Last evaluated: 2022-10-20. Review status: criteria provided, single submitter. Criteria: Invitae Variant Classification Sherloc (09022015). Collection method: clinical testing. Allele origin: germline.
Comment: In summary, the available evidence is currently insufficient to determine the role of this variant in disease. Therefore, it has been classified as a Variant of Uncertain Significance. Algorithms developed to predict the effect of missense changes on protein structure and function (SIFT, PolyPhen-2, Align-GVGD) all suggest that this variant is likely to be disruptive. ClinVar contains an entry for this variant (Variation ID: 537775). This variant has not been reported in the literature in individuals affected with SMARCA4-related conditions. This variant is not present in population databases (gnomAD no frequency). This sequence change replaces threonine, which is neutral and polar, with isoleucine, which is neutral and non-polar, at codon 1491 of the SMARCA4 protein (p.Thr1491Ile).

Genome-Nilou Lab
Classification: Uncertain significance for Intellectual disability, autosomal dominant 16. Last evaluated: 2021-07-15. Review status: criteria provided, single submitter. Criteria: ACMG Guidelines, 2015. Collection method: clinical testing. Allele origin: germline. Affected: no.

Fulgent Genetics
Classification: Uncertain significance for Rhabdoid tumor predisposition syndrome 2; Intellectual disability, autosomal dominant 16. Last evaluated: 2018-10-31. Review status: criteria provided, single submitter. Criteria: ACMG Guidelines, 2015. Collection method: clinical testing. Allele origin: unknown.

NM_003072.5(SMARCA4):c.4376C>T (p.Thr1459Ile)

Gene: SMARCA4 (SWI/SNF related BAF chromatin remodeling complex subunit ATPase 4; plus strand). Cytogenetic location: 19p13.2.
Variant type: single nucleotide variant.
Coding change: c.4376C>T on transcript NM_003072.5 (MANE Select); coding-DNA position 4376, C replaced by T.
Protein change: p.Thr1459Ile; replaces threonine 1459 with isoleucine.
Molecular consequence: missense variant. On other transcripts: non-coding transcript variant (1).
Genome position (GRCh38, 1-based): chr19:11,041,512, C>T. VCF-style: chr19-11041512-C-T. GRCh37 (hg19) VCF-style: chr19-11152188-C-T.
Other names: c.4376C>T, p.Thr1459Ile (NM_001128844.3); c.4286C>T, p.Thr1429Ile (NM_001128845.2, NM_001128846.2); c.4277C>T, p.Thr1426Ile (NM_001128847.4, NM_001128848.2, NM_001374457.1); c.4472C>T, p.Thr1491Ile (NM_001128849.3, NM_001387283.1); short protein forms T1491I, T1429I, T1426I, T1459I.
Identifiers: ClinVar variation 537775 (VCV000537775.16), dbSNP rs1555788341, ClinGen allele CA404074048.